The following is an entry in ClinVar:

NM_015046.7(SETX):c.6771G>A (p.Gln2257=)

Gene: SETX (senataxin; minus strand). Cytogenetic location: 9q34.13.
Variant type: single nucleotide variant.
Coding change: c.6771G>A on transcript NM_015046.7 (MANE Select); coding-DNA position 6771, G replaced by A.
Protein change: p.Gln2257=; no amino-acid change (glutamine 2257 retained).
Molecular consequence: synonymous variant.
Genome position (GRCh38, 1-based): chr9:132,278,141, C>T on the plus strand (G>A on the coding strand, the complement: SETX is on the minus strand). VCF-style: chr9-132278141-C-T. GRCh37 (hg19) VCF-style: chr9-135153528-C-T.
Other names: c.6771G>A, p.Gln2257= (NM_001351527.2, NM_001351528.2).
Identifiers: ClinVar variation 704656 (VCV000704656.13), dbSNP rs778895541, ClinGen allele CA5296625.

ClinVar aggregate classification (germline): Likely benign. Review status: criteria provided, multiple submitters, no conflicts (2 of 4 stars). 4 submissions from 4 submitters: Likely benign (3). 1 of the submissions does not count toward it. Last evaluated 2026-07-01.

Conditions:
Amyotrophic lateral sclerosis type 4 (ALS4). Also called: NEURONOPATHY, DISTAL HEREDITARY MOTOR, WITH PYRAMIDAL FEATURES; AMYOTROPHIC LATERAL SCLEROSIS 4, JUVENILE. Identifiers: Orphanet 357043, MedGen C1865409, MONDO:0011223, OMIM 602433.
Spinocerebellar ataxia, autosomal recessive, with axonal neuropathy 2 (SCAN2). Also called: Ataxia-ocular apraxia-2; Ataxia with Oculomotor Apraxia Type 2; ATAXIA-OCULOMOTOR APRAXIA 2; Ataxia with Oculomotor Apraxia. Identifiers: Orphanet 64753, MedGen C1853761, MONDO:0018996, OMIM 606002.
SETX-related disorder. Also called: SETX-related condition; SETX-related disorders. Identifiers: MedGen CN239403.

Allele frequency attached by ClinVar (database versions not stated): gnomAD 0.00001; gnomAD exomes 0.00005 and 0.00010; TOPMed 0.00006; ExAC 0.00008.
gnomAD v4.1: 34 of 1,613,990 alleles (0.0021%); highest among the groups gnomAD compares: Admixed American, 0.053%; no homozygotes.

Submissions (4):

CeGaT Center for Human Genetics Tuebingen
Classification: Likely benign. Last evaluated: 2026-07-01. Review status: criteria provided, single submitter. Criteria: CeGaT Center For Human Genetics Tuebingen Variant Classification Criteria Version 2. Collection method: clinical testing. Allele origin: germline. Affected: yes. Observed: 1 variant allele.
Comment: SETX: BP4, BP7

Labcorp Genetics (formerly Invitae), Labcorp
Classification: Likely benign for Amyotrophic lateral sclerosis type 4; Spinocerebellar ataxia, autosomal recessive, with axonal neuropathy 2. Last evaluated: 2025-08-13. Review status: criteria provided, single submitter. Criteria: Invitae Variant Classification Sherloc (09022015). Collection method: clinical testing. Allele origin: germline.

Breakthrough Genomics
Classification: Likely benign. Review status: criteria provided, single submitter. Criteria: ACMG Guidelines, 2015. Collection method: not provided. Allele origin: germline. Inheritance: Autosomal recessive inheritance. Affected: yes.

PreventionGenetics, part of Exact Sciences
Classification: Likely benign for SETX-related condition. Last evaluated: 2024-02-15. Review status: no assertion criteria provided. Collection method: clinical testing. Allele origin: germline. Not counted in ClinVar's aggregate classification.
Comment: This variant is classified as likely benign based on ACMG/AMP sequence variant interpretation guidelines (Richards et al. 2015 PMID: 25741868, with internal and published modifications).